The following is an entry in ClinVar:

ClinVar aggregate classification (germline): Uncertain significance. Review status: criteria provided, multiple submitters, no conflicts (2 of 4 stars). 3 submissions from 3 submitters: Uncertain significance (3). Last evaluated 2026-02-06.

Conditions:
Gastrointestinal stromal tumor. Also called: Gastrointestinal stromal tumor, somatic; Gastrointestinal stroma tumor. Identifiers: Orphanet 44890, MedGen C0238198, MeSH D046152, MONDO:0011719, OMIM 606764, HP:0100723.
Pheochromocytoma/paraganglioma syndrome 4. Also called: CAROTID BODY TUMORS AND MULTIPLE EXTRAADRENAL PHEOCHROMOCYTOMAS; SDHB-Related Hereditary Paraganglioma-Pheochromocytoma Syndrome; Paragangliomas 4; SDHB-Related Hereditary Paraganglioma-Pheochromocytoma Syndrome (Paragangliomas 4); PARAGANGLIOMA, FAMILIAL MALIGNANT; PARAGANGLIOMAS, HEREDITARY EXTRAADRENAL. Identifiers: Orphanet 29072, MedGen C1861848, MONDO:0007273, OMIM 115310.
Pheochromocytoma. Also called: MAX-Related Hereditary Paraganglioma-Pheochromocytoma Syndrome. Identifiers: Orphanet 29072, MedGen C0031511, MONDO:0008233, OMIM 171300, HP:0002666.
Hereditary cancer-predisposing syndrome. Also called: Hereditary neoplastic syndrome; Neoplastic Syndromes, Hereditary; Hereditary Cancer Syndrome; Tumor predisposition. Identifiers: Orphanet 140162, MedGen C0027672, MeSH D009386, MONDO:0015356.

Submissions (3):

Ambry Genetics
Classification: Uncertain significance for Hereditary cancer-predisposing syndrome. Last evaluated: 2026-02-06. Review status: criteria provided, single submitter. Criteria: Ambry Variant Classification Scheme 2023. Collection method: clinical testing. Allele origin: germline.
Comment: The p.D50N variant (also known as c.148G>A), located in coding exon 2 of the SDHB gene, results from a G to A substitution at nucleotide position 148. The aspartic acid at codon 50 is replaced by asparagine, an amino acid with highly similar properties. This amino acid position is highly conserved in available vertebrate species. In addition, the in silico prediction for this alteration is inconclusive. Based on the available evidence, the clinical significance of this variant remains unclear.

Labcorp Genetics (formerly Invitae), Labcorp
Classification: Uncertain significance for Gastrointestinal stromal tumor; Pheochromocytoma/paraganglioma syndrome 4; Pheochromocytoma. Last evaluated: 2025-12-08. Review status: criteria provided, single submitter. Criteria: Invitae Variant Classification Sherloc (09022015). Collection method: clinical testing. Allele origin: germline.
Comment: This sequence change replaces aspartic acid, which is acidic and polar, with asparagine, which is neutral and polar, at codon 50 of the SDHB protein (p.Asp50Asn). This variant is not present in population databases (gnomAD no frequency). This variant has not been reported in the literature in individuals affected with SDHB-related conditions. ClinVar contains an entry for this variant (Variation ID: 956636). Invitae Evidence Modeling of protein sequence and biophysical properties (such as structural, functional, and spatial information, amino acid conservation, physicochemical variation, residue mobility, and thermodynamic stability) indicates that this missense variant is not expected to disrupt SDHB protein function with a negative predictive value of 80%. In summary, the available evidence is currently insufficient to determine the role of this variant in disease. Therefore, it has been classified as a Variant of Uncertain Significance.

Genetic Services Laboratory, University of Chicago
Classification: Uncertain significance. Last evaluated: 2018-04-03. Review status: criteria provided, single submitter. Criteria: ACMG Guidelines, 2015. Collection method: clinical testing. Allele origin: germline. Affected: no.

NM_003000.3(SDHB):c.148G>A (p.Asp50Asn)

Gene: SDHB (succinate dehydrogenase complex iron sulfur subunit B; minus strand). Cytogenetic location: 1p36.13.
Variant type: single nucleotide variant.
Coding change: c.148G>A on transcript NM_003000.3 (MANE Select); coding-DNA position 148, G replaced by A.
Protein change: p.Asp50Asn; replaces aspartic acid 50 with asparagine.
Molecular consequence: missense variant.
Genome position (GRCh38, 1-based): chr1:17,044,813, C>T on the plus strand (G>A on the coding strand, the complement: SDHB is on the minus strand). VCF-style: chr1-17044813-C-T. GRCh37 (hg19) VCF-style: chr1-17371308-C-T.
Other names: short protein forms D50N.
Identifiers: ClinVar variation 956636 (VCV000956636.12), dbSNP rs1060503765, ClinGen allele CA338228001.